The following is an entry in ClinVar:

NM_004646.4(NPHS1):c.3130G>A (p.Glu1044Lys)

Gene: NPHS1 (NPHS1 adhesion molecule, nephrin; minus strand). Cytogenetic location: 19q13.12.
Variant type: single nucleotide variant.
Coding change: c.3130G>A on transcript NM_004646.4 (MANE Select); coding-DNA position 3130, G replaced by A.
Protein change: p.Glu1044Lys; replaces glutamic acid 1044 with lysine.
Molecular consequence: missense variant.
Genome position (GRCh38, 1-based): chr19:35,835,741, C>T on the plus strand (G>A on the coding strand, the complement: NPHS1 is on the minus strand). VCF-style: chr19-35835741-C-T. GRCh37 (hg19) VCF-style: chr19-36326643-C-T.
Other names: short protein forms E1044K.
Identifiers: ClinVar variation 716700 (VCV000716700.22), dbSNP rs370387270, ClinGen allele CA9389910.

ClinVar aggregate classification (germline): Conflicting classifications of pathogenicity. Review status: criteria provided, conflicting classifications (1 of 4 stars). 7 submissions from 7 submitters: Uncertain significance (1); Benign (1); Likely benign (3). 2 of the submissions do not count toward it. Last evaluated 2026-01-31.

Conditions:
Inborn genetic diseases. Identifiers: MedGen C0950123, MeSH D030342.
NPHS1-related disorder. Also called: NPHS1-related condition.
Finnish congenital nephrotic syndrome (NPHS1). Also called: NEPHROTIC SYNDROME, TYPE 1. Identifiers: Orphanet 839, MedGen C0403399, MONDO:0009732, OMIM 256300.
Focal segmental glomerulosclerosis (FSGS). Also called: Glomerulosclerosis, focal; Focal sclerosis with hyalinosis. Identifiers: MedGen C0017668, MONDO:0100313, HP:0000097. Disease mechanism: loss of function.
Congenital nephrotic syndrome. Also called: Familial nephrotic syndrome. Identifiers: MedGen C3501848, MeSH C535761, MONDO:0002350, HP:0008677.

Allele frequency attached by ClinVar (database versions not stated): ExAC 0.00014; gnomAD exomes 0.00014 and 0.00002; TOPMed 0.00014; gnomAD 0.00007 and 0.00008.

Submissions (7):

Labcorp Genetics (formerly Invitae), Labcorp
Classification: Benign. Last evaluated: 2026-01-31. Review status: criteria provided, single submitter. Criteria: Invitae Variant Classification Sherloc (09022015). Collection method: clinical testing. Allele origin: germline.

Blueprint Genetics
Classification: Likely benign. Last evaluated: 2024-11-25. Review status: criteria provided, single submitter. Criteria: ACMG Guidelines, 2015. Collection method: clinical testing. Allele origin: germline.

Ambry Genetics
Classification: Likely benign for Inborn genetic diseases. Last evaluated: 2024-06-06. Review status: criteria provided, single submitter. Criteria: Ambry Variant Classification Scheme 2023. Collection method: clinical testing. Allele origin: germline.

Genome Diagnostics Laboratory, The Hospital for Sick Children
Classification: Likely benign for Focal segmental glomerulosclerosis. Last evaluated: 2020-09-17. Review status: criteria provided, single submitter. Criteria: ACMG Guidelines, 2015. Collection method: clinical testing. Allele origin: germline.

Illumina Laboratory Services, Illumina
Classification: Uncertain significance for Congenital nephrotic syndrome. Last evaluated: 2018-01-13. Review status: criteria provided, single submitter. Criteria: ICSL Variant Classification Criteria 13 December 2019. Collection method: clinical testing. Allele origin: germline.

PreventionGenetics, part of Exact Sciences
Classification: Likely benign for NPHS1-related condition. Last evaluated: 2021-10-12. Review status: no assertion criteria provided. Collection method: clinical testing. Allele origin: germline. Not counted in ClinVar's aggregate classification.
Comment: This variant is classified as likely benign based on ACMG/AMP sequence variant interpretation guidelines (Richards et al. 2015 PMID: 25741868, with internal and published modifications).

Natera, Inc.
Classification: Likely benign for Finnish congenital nephrotic syndrome. Last evaluated: 2020-01-09. Review status: no assertion criteria provided. Collection method: clinical testing. Allele origin: germline. Not counted in ClinVar's aggregate classification.